The following is an entry in ClinVar:

ClinVar aggregate classification (germline): Uncertain significance (1 of 4 stars; one submission).

Conditions:
Immunodeficiency 104. Also called: Severe combined immunodeficiency, autosomal recessive, T cell-negative, B cell-positive, NK cell-positive; SCID, AUTOSOMAL RECESSIVE, T CELL-NEGATIVE, B CELL-POSITIVE, NK CELL-POSITIVE; Severe Combined Immune Deficiency, Autosomal Recessive, TCell -Negative, B Cell-Positive, NK Cell-Positive, IL7R-Related; IMMUNODEFICIENCY 104, SEVERE COMBINED. Identifiers: MedGen C5676890, MONDO:0012163, OMIM 608971.

Allele frequency attached by ClinVar (database versions not stated): gnomAD exomes below 0.00001.
gnomAD v4.1: 1 of 1,610,568 alleles (0.000062%); highest among the groups gnomAD compares: Non-Finnish European, 0.000085%; no homozygotes.

Submission:

Labcorp Genetics (formerly Invitae), Labcorp
Classification: Uncertain significance for Immunodeficiency 104. Last evaluated: 2022-08-15. Review status: criteria provided, single submitter. Criteria: Invitae Variant Classification Sherloc (09022015). Collection method: clinical testing. Allele origin: germline.
Comment: In summary, the available evidence is currently insufficient to determine the role of this variant in disease. Therefore, it has been classified as a Variant of Uncertain Significance. Algorithms developed to predict the effect of missense changes on protein structure and function (SIFT, PolyPhen-2, Align-GVGD) all suggest that this variant is likely to be disruptive. ClinVar contains an entry for this variant (Variation ID: 940537). This variant has not been reported in the literature in individuals affected with PTPRC-related conditions. This variant is not present in population databases (gnomAD no frequency). This sequence change replaces alanine, which is neutral and non-polar, with glutamic acid, which is acidic and polar, at codon 1020 of the PTPRC protein (p.Ala1020Glu).

NM_002838.5(PTPRC):c.3059C>A (p.Ala1020Glu)

Gene: PTPRC (protein tyrosine phosphatase receptor type C; plus strand). Cytogenetic location: 1q32.1.
Variant type: single nucleotide variant.
Coding change: c.3059C>A on transcript NM_002838.5 (MANE Select); coding-DNA position 3059, C replaced by A.
Protein change: p.Ala1020Glu; replaces alanine 1020 with glutamic acid.
Molecular consequence: missense variant.
Genome position (GRCh38, 1-based): chr1:198,749,536, C>A. VCF-style: chr1-198749536-C-A. GRCh37 (hg19) VCF-style: chr1-198718665-C-A.
Other names: c.2576C>A, p.Ala859Glu (NM_080921.4); short protein forms A1020E, A859E.
Identifiers: ClinVar variation 940537 (VCV000940537.10), dbSNP rs1655286650, ClinGen allele CA344053470.